The following is an entry in ClinVar:

ClinVar aggregate classification (germline): Uncertain significance. Review status: criteria provided, multiple submitters, no conflicts (2 of 4 stars). 2 submissions from 2 submitters: Uncertain significance (2). Last evaluated 2024-06-05.

Conditions:
Familial thoracic aortic aneurysm and aortic dissection (TAAD). Also called: Thoracic aortic aneurysms and dissections. Identifiers: Orphanet 91387, MedGen C4707243, MONDO:0019625.
Marfan syndrome (MFS). Also called: MARFAN SYNDROME, TYPE I; Marfan syndrome type 1; Marfan's syndrome; Marfan syndrome, classic; FBN1-Related Marfan Syndrome. Identifiers: Orphanet 284963, Orphanet 558, MedGen C0024796, MONDO:0007947, OMIM 154700.

Submissions (2):

Blueprint Genetics
Classification: Uncertain significance. Last evaluated: 2024-06-05. Review status: criteria provided, single submitter. Criteria: ACMG Guidelines, 2015. Collection method: clinical testing. Allele origin: germline.

Labcorp Genetics (formerly Invitae), Labcorp
Classification: Uncertain significance for Marfan syndrome; Familial thoracic aortic aneurysm and aortic dissection. Last evaluated: 2022-05-08. Review status: criteria provided, single submitter. Criteria: Invitae Variant Classification Sherloc (09022015). Collection method: clinical testing. Allele origin: germline.
Comment: In summary, the available evidence is currently insufficient to determine the role of this variant in disease. Therefore, it has been classified as a Variant of Uncertain Significance. Algorithms developed to predict the effect of missense changes on protein structure and function (SIFT, PolyPhen-2, Align-GVGD) all suggest that this variant is likely to be tolerated. This variant has not been reported in the literature in individuals affected with FBN1-related conditions. This variant is not present in population databases (gnomAD no frequency). This sequence change replaces lysine, which is basic and polar, with arginine, which is basic and polar, at codon 1315 of the FBN1 protein (p.Lys1315Arg).

NM_000138.5(FBN1):c.3944A>G (p.Lys1315Arg)

Gene: FBN1 (fibrillin 1; minus strand). Cytogenetic location: 15q21.1.
Variant type: single nucleotide variant.
Coding change: c.3944A>G on transcript NM_000138.5 (MANE Select); coding-DNA position 3944, A replaced by G.
Protein change: p.Lys1315Arg; replaces lysine 1315 with arginine.
Molecular consequence: missense variant.
Genome position (GRCh38, 1-based): chr15:48,481,675, T>C on the plus strand (A>G on the coding strand, the complement: FBN1 is on the minus strand). VCF-style: chr15-48481675-T-C. GRCh37 (hg19) VCF-style: chr15-48773872-T-C.
Other names: c.3944A>G, p.Lys1315Arg (NM_001406716.1); short protein forms K1315R.
Identifiers: ClinVar variation 2111751 (VCV002111751.5), dbSNP rs2505533310, ClinGen allele CA392322230.